The following is an entry in ClinVar:

NM_003640.5(ELP1):c.804_805insTTTTTTTTTTTTTTTTTTTTNNNNNNNNNNTCGTGATCCGCCCGCCTCTGCCTCCCAAAGTGCTGGGATTACAGGCGTGAGCCACCGCGCCCGGCCAGGATATTGTGTTTTTT (p.Glu269delinsPhePhePhePhePhePheXaaXaaXaaXaaSerTer)

Gene: ELP1 (elongator acetyltransferase complex subunit 1; minus strand). Cytogenetic location: 9q31.3.
Variant type: Microsatellite.
Coding change: c.804_805insTTTTTTTTTTTTTTTTTTTTNNNNNNNNNNTCGTGATCCGCCCGCCTCTGCCTCCCAAAGTGCTGGGATTACAGGCGTGAGCCACCGCGCCCGGCCAGGATATTGTGTTTTTT on transcript NM_003640.5 (MANE Select); coding-DNA positions 804 to 805, TTTTTTTTTTTTTTTTTTTTNNNNNNNNNNTCGTGATCCGCCCGCCTCTGCCTCCCAAAGTGCTGGGATTACAGGCGTGAGCCACCGCGCCCGGCCAGGATATTGTGTTTTTT inserted.
Protein change: p.Glu269delinsPhePhePhePhePhePheXaaXaaXaaXaaSerTer.
Molecular consequence: nonsense. On other transcripts: 5 prime UTR variant (1).
Genome position: GRCh38: chr9:108,917,607-108,917,624. GRCh37 (hg19), VCF-style position (the base before the change): chr9:111,679,886.
Other names: c.462_463insTTTTTTTTTTTTTTTTTTTTNNNNNNNNNNTCGTGATCCGCCCGCCTCTGCCTCCCAAAGTGCTGGGATTACAGGCGTGAGCCACCGCGCCCGGCCAGGATATTGTGTTTTTT, p.Glu155delinsPhePhePhePhePhePheXaaXaaXaaXaaSerTer (NM_001318360.2); c.-244_-243insTTTTTTTTTTTTTTTTTTTTNNNNNNNNNNTCGTGATCCGCCCGCCTCTGCCTCCCAAAGTGCTGGGATTACAGGCGTGAGCCACCGCGCCCGGCCAGGATATTGTGTTTTTT (NM_001330749.2).
Identifiers: ClinVar variation 4734202 (VCV004734202.1).

ClinVar aggregate classification (germline): Pathogenic (1 of 4 stars; one submission).

Submission:

Labcorp Genetics (formerly Invitae), Labcorp
Classification: Pathogenic. Last evaluated: 2025-12-26. Review status: criteria provided, single submitter. Criteria: Invitae Variant Classification Sherloc (09022015). Collection method: clinical testing. Allele origin: germline.
Comment: This sequence change inserts a large fragment of DNA, likely a transposable element, in exon 9 of the ELP1 gene (c.804_805ins?), causing a frameshift at codon 269 (p.Glu269fs). The exact size and sequence of the insertion cannot be determined by the current assay. However, the insertion is expected to result in an absent or disrupted protein product. This variant is not present in population databases (gnomAD no frequency). This variant has not been reported in the literature in individuals affected with ELP1-related conditions. Retrotransposon insertions including LINE1 (L1), Alu, and SVA (SINE-VNTR-Alu) have been reported to be disease-causing through disruption of either a coding region or splice site (PMID: 19763152, 20307669, 22406018) and loss-of-function variants in ELP1 are known to be pathogenic (PMID: 18303054, 24173031). For these reasons, this variant has been classified as Pathogenic.

Literature cited by the submitters: PubMed 19763152; PubMed 20307669; PubMed 22406018; PubMed 18303054; PubMed 24173031.